The following is an entry in ClinVar:

NM_030665.4(RAI1):c.629C>G (p.Pro210Arg)

Gene: RAI1 (retinoic acid induced 1; plus strand). Cytogenetic location: 17p11.2.
Variant type: single nucleotide variant.
Coding change: c.629C>G on transcript NM_030665.4 (MANE Select); coding-DNA position 629, C replaced by G.
Protein change: p.Pro210Arg; replaces proline 210 with arginine.
Molecular consequence: missense variant.
Genome position (GRCh38, 1-based): chr17:17,793,577, C>G. VCF-style: chr17-17793577-C-G. GRCh37 (hg19) VCF-style: chr17-17696891-C-G.
Other names: short protein forms P210R.
Identifiers: ClinVar variation 2580159 (VCV002580159.2), dbSNP rs2508569976, ClinGen allele CA398545880.

ClinVar aggregate classification (germline): Likely pathogenic (1 of 4 stars; one submission).

Conditions:
Smith-Magenis syndrome (SMS). Also called: CHROMOSOME 17p11.2 DELETION SYNDROME. Identifiers: Orphanet 819, MedGen C0795864, MONDO:0008434, OMIM 182290.

Submission:

Laboratory of genome editing, Research Centre for Medical Genetics
Classification: Likely pathogenic for Smith-Magenis syndrome. Last evaluated: 2023-09-20. Review status: criteria provided, single submitter. Criteria: ACMG Guidelines, 2015. Collection method: clinical testing. Allele origin: de novo. Affected: yes. Observed: 1 heterozygote.
Comment: PS2, PM2, PP3

Literature cited by the submitters: PubMed 35887114.